The following is an entry in ClinVar:

ClinVar aggregate classification (germline): Conflicting classifications of pathogenicity. Review status: criteria provided, conflicting classifications (1 of 4 stars). 3 submissions from 3 submitters: Uncertain significance (2); Likely benign (1). Last evaluated 2025-07-08.

Allele frequency attached by ClinVar (database versions not stated): TOPMed 0.00018.
gnomAD v4.1: 41 of 1,614,000 alleles (0.0025%); highest among the groups gnomAD compares: African/African-American, 0.019%; no homozygotes.

Submissions (3):

GeneDx
Classification: Uncertain significance. Last evaluated: 2025-07-08. Review status: criteria provided, single submitter. Criteria: GeneDx Variant Classification Process June 2021. Collection method: clinical testing. Allele origin: germline. Affected: yes.
Comment: In silico analysis suggests that this missense variant does not alter protein structure/function; Has not been previously published as pathogenic or benign to our knowledge

Labcorp Genetics (formerly Invitae), Labcorp
Classification: Likely benign. Last evaluated: 2023-03-09. Review status: criteria provided, single submitter. Criteria: Invitae Variant Classification Sherloc (09022015). Collection method: clinical testing. Allele origin: germline.

Athena Diagnostics
Classification: Uncertain significance. Last evaluated: 2021-02-25. Review status: criteria provided, single submitter. Criteria: Athena Diagnostics criteria. Collection method: clinical testing. Allele origin: unknown.

NM_006946.4(SPTBN2):c.5681G>A (p.Gly1894Glu)

Gene: SPTBN2 (spectrin beta, non-erythrocytic 2; minus strand). Cytogenetic location: 11q13.2.
Variant type: single nucleotide variant.
Coding change: c.5681G>A on transcript NM_006946.4 (MANE Select); coding-DNA position 5681, G replaced by A.
Protein change: p.Gly1894Glu; replaces glycine 1894 with glutamic acid.
Molecular consequence: missense variant.
Genome position (GRCh38, 1-based): chr11:66,690,168, C>T on the plus strand (G>A on the coding strand, the complement: SPTBN2 is on the minus strand). VCF-style: chr11-66690168-C-T. GRCh37 (hg19) VCF-style: chr11-66457639-C-T.
Other names: short protein forms G1894E.
Identifiers: ClinVar variation 805368 (VCV000805368.8), dbSNP rs148293687, ClinGen allele CA6128184.
Genomic context (GRCh38, chr11:66,690,168, plus strand): 5'-TTGAAGAAGCGGAACTTGTCTGTGGTGTCCAGCAGCAGCTGCCGGCGGGCGGCAGAGCTT[C>T]CCTGAAGCTGGGCCCAGGCCTCGGCCACGGCCTGCATGTGGCGGCCGATCTCCTCAGCCT-3'
Protein context (NP_008877.2, residues 1884-1904): AVAEAWAQLQ[Gly1894Glu]SSAARRQLLL